The following is an entry in ClinVar:

NM_000179.3(MSH6):c.2796C>A (p.Gly932=)

Gene: MSH6 (mutS homolog 6; plus strand). Cytogenetic location: 2p16.3.
Variant type: single nucleotide variant.
Coding change: c.2796C>A on transcript NM_000179.3 (MANE Select); coding-DNA position 2796, C replaced by A.
Protein change: p.Gly932=; no amino-acid change (glycine 932 retained).
Molecular consequence: synonymous variant.
Genome position (GRCh38, 1-based): chr2:47,800,779, C>A. VCF-style: chr2-47800779-C-A. GRCh37 (hg19) VCF-style: chr2-48027918-C-A.
Other names: c.2406C>A, p.Gly802= (NM_001281492.2); c.1890C>A, p.Gly630= (NM_001281493.2, NM_001281494.2).
Identifiers: ClinVar variation 483794 (VCV000483794.19), dbSNP rs774105284, ClinGen allele CA069642.

ClinVar aggregate classification (germline): Benign/Likely benign. Review status: criteria provided, multiple submitters, no conflicts (2 of 4 stars). 4 submissions from 4 submitters: Benign (1); Likely benign (3). Last evaluated 2025-01-03.

Conditions:
Lynch syndrome 5 (LYNCH5). Also called: Colorectal cancer, hereditary nonpolyposis, type 5; Hereditary non-polyposis colorectal cancer, type 5. Identifiers: Orphanet 144, MedGen C1833477, MONDO:0013710, OMIM 614350. Disease mechanism: loss of function.
Hereditary nonpolyposis colorectal neoplasms. Identifiers: MedGen C0009405, MeSH D003123.
Hereditary cancer-predisposing syndrome. Also called: Neoplastic Syndromes, Hereditary; Tumor predisposition; Hereditary Cancer Syndrome; Hereditary neoplastic syndrome. Identifiers: Orphanet 140162, MedGen C0027672, MeSH D009386, MONDO:0015356.

Allele frequency attached by ClinVar (database versions not stated): gnomAD exomes below 0.00001; ExAC 0.00001; TOPMed 0.00002.
gnomAD v4.1: 1 of 1,614,148 alleles (0.000062%); highest among the groups gnomAD compares: African/African-American, 0.0013%; no homozygotes.

Submissions (4):

Myriad Genetics, Inc.
Classification: Benign for Lynch syndrome 5. Last evaluated: 2025-01-03. Review status: criteria provided, single submitter. Criteria: Myriad Autosomal Dominant, Autosomal Recessive and X-Linked Classification Criteria (2023). Collection method: clinical testing. Allele origin: unknown.
Comment: This variant is considered benign. This variant is a silent/synonymous amino acid change and it is not expected to impact splicing.

Labcorp Genetics (formerly Invitae), Labcorp
Classification: Likely benign for Hereditary nonpolyposis colorectal neoplasms. Last evaluated: 2023-08-16. Review status: criteria provided, single submitter. Criteria: Invitae Variant Classification Sherloc (09022015). Collection method: clinical testing. Allele origin: germline.

Color Diagnostics, LLC DBA Color Health
Classification: Likely benign for Hereditary cancer-predisposing syndrome. Last evaluated: 2019-03-26. Review status: criteria provided, single submitter. Criteria: ACMG Guidelines, 2015. Collection method: clinical testing. Allele origin: germline.

Ambry Genetics
Classification: Likely benign for Hereditary cancer-predisposing syndrome. Last evaluated: 2016-03-25. Review status: criteria provided, single submitter. Criteria: Ambry Variant Classification Scheme 2023. Collection method: clinical testing. Allele origin: germline.